The following is an entry in ClinVar:

NM_213622.4(STAMBP):c.1105C>T (p.Pro369Ser)

Gene: STAMBP (STAM binding protein; plus strand). Cytogenetic location: 2p13.1.
Variant type: single nucleotide variant.
Coding change: c.1105C>T on transcript NM_213622.4 (MANE Select); coding-DNA position 1105, C replaced by T.
Protein change: p.Pro369Ser; replaces proline 369 with serine.
Molecular consequence: missense variant. On other transcripts: non-coding transcript variant (4).
Genome position (GRCh38, 1-based): chr2:73,859,353, C>T. VCF-style: chr2-73859353-C-T. GRCh37 (hg19) VCF-style: chr2-74086480-C-T.
Other names: c.1105C>T, p.Pro369Ser (NM_001353967.2, NM_001353968.2, NM_001353969.2 and 3 more transcripts); c.700C>T, p.Pro234Ser (NM_001353971.2, NM_001353972.2, NM_001353973.2 and 3 more transcripts); c.1105C>T (NM_213622.2); short protein forms P234S, P369S.
Identifiers: ClinVar variation 2066917 (VCV002066917.3), dbSNP rs761073632, ClinGen allele CA1717700.

ClinVar aggregate classification (germline): Uncertain significance. Review status: criteria provided, multiple submitters, no conflicts (2 of 4 stars). 2 submissions from 2 submitters: Uncertain significance (2). Last evaluated 2025-04-28.

Conditions:
Inborn genetic diseases. Identifiers: MedGen C0950123, MeSH D030342.

Allele frequency attached by ClinVar (database versions not stated): gnomAD exomes 0.00001; TOPMed 0.00004; ExAC 0.00005.
gnomAD v4.1: 17 of 1,613,880 alleles (0.0011%); highest among the groups gnomAD compares: East Asian, 0.016%; no homozygotes.

Submissions (2):

Ambry Genetics
Classification: Uncertain significance for Inborn genetic diseases. Last evaluated: 2025-04-28. Review status: criteria provided, single submitter. Criteria: Ambry Variant Classification Scheme 2023. Collection method: clinical testing. Allele origin: germline.

Labcorp Genetics (formerly Invitae), Labcorp
Classification: Uncertain significance. Last evaluated: 2023-12-11. Review status: criteria provided, single submitter. Criteria: Invitae Variant Classification Sherloc (09022015). Collection method: clinical testing. Allele origin: germline.
Comment: This sequence change replaces proline, which is neutral and non-polar, with serine, which is neutral and polar, at codon 369 of the STAMBP protein (p.Pro369Ser). This variant is present in population databases (rs761073632, gnomAD 0.03%). This variant has not been reported in the literature in individuals affected with STAMBP-related conditions. ClinVar contains an entry for this variant (Variation ID: 2066917). Advanced modeling of protein sequence and biophysical properties (such as structural, functional, and spatial information, amino acid conservation, physicochemical variation, residue mobility, and thermodynamic stability) performed at Invitae indicates that this missense variant is expected to disrupt STAMBP protein function with a positive predictive value of 80%. In summary, the available evidence is currently insufficient to determine the role of this variant in disease. Therefore, it has been classified as a Variant of Uncertain Significance.